The following is an entry in ClinVar:

NM_006015.6(ARID1A):c.3284A>T (p.Gln1095Leu)

Gene: ARID1A (AT-rich interaction domain 1A; plus strand). Cytogenetic location: 1p36.11.
Variant type: single nucleotide variant.
Coding change: c.3284A>T on transcript NM_006015.6 (MANE Select); coding-DNA position 3284, A replaced by T.
Protein change: p.Gln1095Leu; replaces glutamine 1095 with leucine.
Molecular consequence: missense variant.
Genome position (GRCh38, 1-based): chr1:26,771,204, A>T. VCF-style: chr1-26771204-A-T. GRCh37 (hg19) VCF-style: chr1-27097695-A-T.
Other names: c.3284A>T, p.Gln1095Leu (NM_139135.4); short protein forms Q1095L.
Identifiers: ClinVar variation 4851743 (VCV004851743.1).

ClinVar aggregate classification (germline): Uncertain significance (1 of 4 stars; one submission).

Submission:

Greenwood Genetic Center Diagnostic Laboratories, Greenwood Genetic Center
Classification: Uncertain significance. Last evaluated: 2025-01-08. Review status: criteria provided, single submitter. Criteria: ACMG Guidelines, 2015. Collection method: clinical testing. Allele origin: germline.
Comment: PM2, PP3